The following is an entry in ClinVar:

ClinVar aggregate classification (germline): Uncertain significance (1 of 4 stars; one submission).

Allele frequency attached by ClinVar (database versions not stated): gnomAD 0.00001; ExAC 0.00002; TOPMed 0.00002; gnomAD exomes 0.00004.
gnomAD v4.1: 16 of 1,612,000 alleles (0.00099%); highest among the groups gnomAD compares: Admixed American, 0.024%; no homozygotes.

Submission:

Labcorp Genetics (formerly Invitae), Labcorp
Classification: Uncertain significance. Last evaluated: 2025-04-23. Review status: criteria provided, single submitter. Criteria: Invitae Variant Classification Sherloc (09022015). Collection method: clinical testing. Allele origin: germline.
Comment: This sequence change replaces glutamic acid, which is acidic and polar, with glycine, which is neutral and non-polar, at codon 1178 of the PCLO protein (p.Glu1178Gly). This variant is present in population databases (rs775204920, gnomAD 0.03%). This variant has not been reported in the literature in individuals affected with PCLO-related conditions. ClinVar contains an entry for this variant (Variation ID: 1355579). Experimental studies and prediction algorithms are not available or were not evaluated, and the functional significance of this variant is currently unknown. In summary, the available evidence is currently insufficient to determine the role of this variant in disease. Therefore, it has been classified as a Variant of Uncertain Significance.

NM_033026.6(PCLO):c.3533A>G (p.Glu1178Gly)

Gene: PCLO (piccolo presynaptic cytomatrix protein; minus strand). Cytogenetic location: 7q21.11.
Variant type: single nucleotide variant.
Coding change: c.3533A>G on transcript NM_033026.6 (MANE Select); coding-DNA position 3533, A replaced by G.
Protein change: p.Glu1178Gly; replaces glutamic acid 1178 with glycine.
Molecular consequence: missense variant.
Genome position (GRCh38, 1-based): chr7:82,966,255, T>C on the plus strand (A>G on the coding strand, the complement: PCLO is on the minus strand). VCF-style: chr7-82966255-T-C. GRCh37 (hg19) VCF-style: chr7-82595571-T-C.
Other names: c.3533A>G, p.Glu1178Gly (NM_014510.3); short protein forms E1178G.
Identifiers: ClinVar variation 1355579 (VCV001355579.7), dbSNP rs775204920, ClinGen allele CA4321022.